The following is an entry in ClinVar:

NM_014268.4(MAPRE2):c.518G>A (p.Arg173Gln)

Gene: MAPRE2 (microtubule associated protein RP/EB family member 2; plus strand). Cytogenetic location: 18q12.2.
Variant type: single nucleotide variant.
Coding change: c.518G>A on transcript NM_014268.4 (MANE Select); coding-DNA position 518, G replaced by A.
Protein change: p.Arg173Gln; replaces arginine 173 with glutamine.
Molecular consequence: missense variant. On other transcripts: non-coding transcript variant (1).
Genome position (GRCh38, 1-based): chr18:35,102,067, G>A. VCF-style: chr18-35102067-G-A. GRCh37 (hg19) VCF-style: chr18-32682031-G-A.
Other names: c.389G>A, p.Arg130Gln (NM_001143826.3); c.482G>A, p.Arg161Gln (NM_001143827.3); c.359G>A, p.Arg120Gln (NM_001256420.2); short protein forms R120Q, R130Q, R161Q, R173Q.
Identifiers: ClinVar variation 1705433 (VCV001705433.1), dbSNP rs2523915654, ClinGen allele CA402276847.

ClinVar aggregate classification (germline): Likely pathogenic (1 of 4 stars; one submission).

Conditions:
Skin creases, congenital symmetric circumferential, 2 (CSCSC2). Identifiers: MedGen C4225225, MONDO:0014755, OMIM 616734.

Submission:

3billion
Classification: Likely pathogenic for Skin creases, congenital symmetric circumferential, 2. Last evaluated: 2022-09-01. Review status: criteria provided, single submitter. Criteria: ACMG Guidelines, 2015. Collection method: clinical testing. Allele origin: germline. Affected: yes. Observed: 1 heterozygote.
Comment: The variant is not observed in the gnomAD v2.1.1 dataset. Missense changes are a common disease-causing mechanism. Same nucleotide change resulting in same amino acid change has been previously reported to be associated with MAPRE2-related disorder (PMID: 31903734). The variant has been previously reported as de novo in a similarly affected individual (PMID: 31903734). Therefore, this variant is classified as Likely pathogenic according to the recommendation of ACMG/AMP guideline.

Literature cited by the submitters: PubMed 31903734.